The following is an entry in ClinVar:

ClinVar aggregate classification (germline): Likely pathogenic (1 of 4 stars; one submission).

Submission:

GeneDx
Classification: Likely pathogenic. Last evaluated: 2023-06-02. Review status: criteria provided, single submitter. Criteria: GeneDx Variant Classification Process June 2021. Collection method: clinical testing. Allele origin: germline. Affected: yes.
Comment: Frameshift variant predicted to result in protein truncation, as the last 162 amino acids are replaced with 189 different amino acids, and other loss-of-function variants have been reported downstream in HGMD.; Not observed at significant frequency in large population cohorts (gnomAD); Has not been previously published as pathogenic or benign to our knowledge

NM_013382.7(POMT2):c.1764_1765del (p.Val589fs)

Gene: POMT2 (protein O-mannosyltransferase 2; minus strand). Cytogenetic location: 14q24.3.
Variant type: Deletion.
Coding change: c.1764_1765del on transcript NM_013382.7 (MANE Select); coding-DNA positions 1764 to 1765, 2 bases deleted (AG; older notation c.1764_1765delAG).
Protein change: p.Val589fs; shifts the reading frame from valine 589.
Molecular consequence: frameshift variant.
Genome position (GRCh38, 1-based): chr14:77,280,041-77,280,042, CT deleted on the plus strand (AG on the coding strand, the reverse complement: POMT2 is on the minus strand); deleting any 2 consecutive bases within chr14:77,280,041-77,280,043 gives the same sequence; the c. name uses the placement nearest the transcript's 3' end. VCF-style (leftmost placement, unchanged base first): chr14-77280040-ACT-A. GRCh37 (hg19) VCF-style: chr14-77746383-ACT-A.
Other names: c.1764_1765delAG (NM_013382.5); short protein forms V589fs.
Identifiers: ClinVar variation 503829 (VCV000503829.5), dbSNP rs1555351889, ClinGen allele CA658798238.
Genomic context (GRCh38, chr14:77,280,040, plus strand): 5'-AAGTGCTCCAGGGCCTGAGCCGGGAATGTTTAGGCACTCACCGGGTTGCCAAGCAGATAG[ACT>A]CGGAAATCTGTGTCATTGACCCCTGAGAAGCGTAGGCCCTGTGGAATAGAGACCACCCTG-3'